The following is an entry in ClinVar:

NM_012431.3(SEMA3E):c.1686T>C (p.Asp562=)

Gene: SEMA3E (semaphorin 3E; minus strand). Cytogenetic location: 7q21.11.
Variant type: single nucleotide variant.
Coding change: c.1686T>C on transcript NM_012431.3 (MANE Select); coding-DNA position 1686, T replaced by C.
Protein change: p.Asp562=; no amino-acid change (aspartic acid 562 retained).
Molecular consequence: synonymous variant.
Genome position (GRCh38, 1-based): chr7:83,387,032, A>G on the plus strand (T>C on the coding strand, the complement: SEMA3E is on the minus strand). VCF-style: chr7-83387032-A-G. GRCh37 (hg19) VCF-style: chr7-83016348-A-G.
Other names: c.1686T>C (NM_012431.2); c.1506T>C, p.Asp502= (NM_001178129.2).
Identifiers: ClinVar variation 2037643 (VCV002037643.5), dbSNP rs201160682, ClinGen allele CA4321935.

ClinVar aggregate classification (germline): Likely benign. Review status: criteria provided, single submitter (1 of 4 stars). 2 submissions from 2 submitters: Likely benign (1). 1 of the submissions does not count toward it. Last evaluated 2024-04-25.

Conditions:
SEMA3E-related disorder. Also called: SEMA3E-related condition.
CHARGE syndrome (CHARGE). Also called: Hittner Hirsch Kreh syndrome; CHARGE ASSOCIATION--COLOBOMA, HEART ANOMALY, CHOANAL ATRESIA, RETARDATION, GENITAL AND EAR ANOMALIES; Coloboma, heart anomaly, choanal atresia, retardation, genital and ear anomalies; CHARGE association; Hall-Hittner syndrome. Identifiers: Orphanet 138, MedGen C0265354, MONDO:0008965.

Allele frequency attached by ClinVar (database versions not stated): ExAC 0.00001; gnomAD exomes 0.00001; TOPMed 0.00002; gnomAD 0.00004; 1000 Genomes Project 0.00040; 1000 Genomes Project 30x 0.00047.
gnomAD v4.1: 27 of 1,613,328 alleles (0.0017%); highest among the groups gnomAD compares: Non-Finnish European, 0.0023%; no homozygotes.

Submissions (2):

Labcorp Genetics (formerly Invitae), Labcorp
Classification: Likely benign for CHARGE syndrome. Last evaluated: 2024-04-25. Review status: criteria provided, single submitter. Criteria: Invitae Variant Classification Sherloc (09022015). Collection method: clinical testing. Allele origin: germline.

PreventionGenetics, part of Exact Sciences
Classification: Likely benign for SEMA3E-related condition. Last evaluated: 2022-05-02. Review status: no assertion criteria provided. Collection method: clinical testing. Allele origin: germline. Not counted in ClinVar's aggregate classification.
Comment: This variant is classified as likely benign based on ACMG/AMP sequence variant interpretation guidelines (Richards et al. 2015 PMID: 25741868, with internal and published modifications).